The following is an entry in ClinVar:

ClinVar aggregate classification (germline): Uncertain significance (1 of 4 stars; one submission).

Conditions:
Severe combined immunodeficiency due to DNA-PKcs deficiency. Also called: IMMUNODEFICIENCY 26 WITH NEUROLOGIC ABNORMALITIES; Immunodeficiency 26 with or without neurologic abnormalities. Identifiers: Orphanet 317425, MedGen C4014833, MONDO:0014423, OMIM 615966.

Allele frequency attached by ClinVar (database versions not stated): gnomAD exomes below 0.00001.
gnomAD v4.1: 3 of 1,613,150 alleles (0.00019%); highest among the groups gnomAD compares: Non-Finnish European, 0.00017%; no homozygotes.

Submission:

Labcorp Genetics (formerly Invitae), Labcorp
Classification: Uncertain significance for Severe combined immunodeficiency due to DNA-PKcs deficiency. Last evaluated: 2019-08-14. Review status: criteria provided, single submitter. Criteria: Invitae Variant Classification Sherloc (09022015). Collection method: clinical testing. Allele origin: germline.
Comment: Algorithms developed to predict the effect of missense changes on protein structure and function are either unavailable or do not agree on the potential impact of this missense change (SIFT: "Tolerated"; PolyPhen-2: "Not Available"; Align-GVGD: "Class C0"). In summary, the available evidence is currently insufficient to determine the role of this variant in disease. Therefore, it has been classified as a Variant of Uncertain Significance. This variant has not been reported in the literature in individuals with PRKDC-related conditions. This sequence change replaces leucine with phenylalanine at codon 2545 of the PRKDC protein (p.Leu2545Phe). The leucine residue is highly conserved and there is a small physicochemical difference between leucine and phenylalanine. This variant is not present in population databases (ExAC no frequency).

NM_006904.7(PRKDC):c.7635A>T (p.Leu2545Phe)

Gene: PRKDC (protein kinase, DNA-activated, catalytic subunit; minus strand). Cytogenetic location: 8q11.21.
Variant type: single nucleotide variant.
Coding change: c.7635A>T on transcript NM_006904.7 (MANE Select); coding-DNA position 7635, A replaced by T.
Protein change: p.Leu2545Phe; replaces leucine 2545 with phenylalanine.
Molecular consequence: missense variant.
Genome position (GRCh38, 1-based): chr8:47,837,338, T>A on the plus strand (A>T on the coding strand, the complement: PRKDC is on the minus strand). VCF-style: chr8-47837338-T-A. GRCh37 (hg19) VCF-style: chr8-48749899-T-A.
Other names: c.7635A>T, p.Leu2545Phe (NM_001081640.2); short protein forms L2545F.
Identifiers: ClinVar variation 949861 (VCV000949861.8), dbSNP rs2088049252, ClinGen allele CA371153088.